The following is an entry in ClinVar:

ClinVar aggregate classification (germline): Uncertain significance (1 of 4 stars; one submission).

gnomAD v4.1: 2 of 1,520,006 alleles (0.00013%); highest among the groups gnomAD compares: Admixed American, 0.004%; no homozygotes.

Submission:

Labcorp Genetics (formerly Invitae), Labcorp
Classification: Uncertain significance. Last evaluated: 2025-11-24. Review status: criteria provided, single submitter. Criteria: Invitae Variant Classification Sherloc (09022015). Collection method: clinical testing. Allele origin: germline.
Comment: This sequence change replaces valine, which is neutral and non-polar, with aspartic acid, which is acidic and polar, at codon 4 of the FBXO11 protein (p.Val4Asp). This variant is not present in population databases (gnomAD no frequency). This variant has not been reported in the literature in individuals affected with FBXO11-related conditions. ClinVar contains an entry for this variant (Variation ID: 1356017). Experimental studies and prediction algorithms are not available or were not evaluated, and the functional significance of this variant is currently unknown. In summary, the available evidence is currently insufficient to determine the role of this variant in disease. Therefore, it has been classified as a Variant of Uncertain Significance.

NM_001190274.2(FBXO11):c.11T>A (p.Val4Asp)

Genes: FBXO11 (F-box protein 11; minus strand), LOC100506235 (uncharacterized LOC100506235; plus strand). Cytogenetic location: 2p16.3.
Variant type: single nucleotide variant.
Coding change: c.11T>A on transcript NM_001190274.2 (MANE Select); coding-DNA position 11, T replaced by A.
Protein change: p.Val4Asp; replaces valine 4 with aspartic acid.
Molecular consequence: missense variant.
Genome position (GRCh38, 1-based): chr2:47,905,710, A>T on the plus strand (T>A on the coding strand, the complement: FBXO11 is on the minus strand). VCF-style: chr2-47905710-A-T. GRCh37 (hg19) VCF-style: chr2-48132849-A-T.
Other names: short protein forms V4D.
Identifiers: ClinVar variation 1356017 (VCV001356017.6), dbSNP rs1199675600, ClinGen allele CA346813199.